The following is an entry in ClinVar:

ClinVar aggregate classification (germline): Uncertain significance (1 of 4 stars; one submission).

Conditions:
Inborn genetic diseases. Identifiers: MedGen C0950123, MeSH D030342.

Submission:

Ambry Genetics
Classification: Uncertain significance for Inborn genetic diseases. Last evaluated: 2024-12-02. Review status: criteria provided, single submitter. Criteria: Ambry Variant Classification Scheme 2023. Collection method: clinical testing. Allele origin: germline.
Comment: The p.G846R variant (also known as c.2536G>A), located in coding exon 26 of the RTEL1 gene, results from a G to A substitution at nucleotide position 2536. The glycine at codon 846 is replaced by arginine, an amino acid with dissimilar properties. This amino acid position is conserved. In addition, this alteration is predicted to be tolerated by in silico analysis. Based on the available evidence, the clinical significance of this variant remains unclear.

NM_001283009.2(RTEL1):c.2536G>A (p.Gly846Arg)

Genes: RTEL1 (regulator of telomere elongation helicase 1; plus strand), RTEL1-TNFRSF6B (RTEL1-TNFRSF6B readthrough (NMD candidate); plus strand). Cytogenetic location: 20q13.33.
Variant type: single nucleotide variant.
Coding change: c.2536G>A on transcript NM_001283009.2 (MANE Select); coding-DNA position 2536, G replaced by A.
Protein change: p.Gly846Arg; replaces glycine 846 with arginine.
Molecular consequence: missense variant. On other transcripts: non-coding transcript variant (1).
Genome position (GRCh38, 1-based): chr20:63,690,927, G>A. VCF-style: chr20-63690927-G-A. GRCh37 (hg19) VCF-style: chr20-62322280-G-A.
Other names: c.1867G>A, p.Gly623Arg (NM_001283010.1); c.2536G>A, p.Gly846Arg (NM_016434.4); c.2608G>A, p.Gly870Arg (NM_032957.5); short protein forms G623R, G846R, G870R.
Identifiers: ClinVar variation 3436019 (VCV003436019.1).
Genomic context (GRCh38, chr20:63,690,927, plus strand): 5'-CCTGCCCGGCAGAGGCCCAGGGGGCTGCTGGCCGCCCTGGAGCACAGCGAACAGCGGGCG[G>A]GGAGCCCTGGCGAGGAGCAGGTACAGTTCCAGGGCCTTGGGATGGACACAGACCCTCTGT-3'
Protein context (NP_001269938.1, residues 836-856): AALEHSEQRA[Gly846Arg]SPGEEQAHSC